The following is an entry in ClinVar:

ClinVar aggregate classification (germline): Benign (1 of 4 stars; one submission).

Conditions:
Idiopathic basal ganglia calcification 1 (PFBC1A). Also called: Familial Idiopathic Basal Ganglia Calcification 3; Primary Familial Brain Calcification; Cerebral calcification nonarteriosclerotic idiopathic adult-onset; Striopallidodentate calcinosis autosomal dominant adult-onset; Ferrocalcinosis, cerebrovascular; Fahr disease, familial (formerly). Identifiers: Orphanet 1980, MedGen C4551624, MONDO:0024538, OMIM 213600.

Allele frequency attached by ClinVar (database versions not stated): gnomAD 0.00840 and 0.00780; 1000 Genomes Project 0.00799; 1000 Genomes Project 30x 0.00874; TOPMed 0.00912.

Submission:

Illumina Laboratory Services, Illumina
Classification: Benign for Idiopathic basal ganglia calcification 1. Last evaluated: 2018-01-13. Review status: criteria provided, single submitter. Criteria: ICSL Variant Classification Criteria 13 December 2019. Collection method: clinical testing. Allele origin: germline.
Comment: This variant was observed in the ICSL laboratory as part of a predisposition screen in an ostensibly healthy population. It had not been previously curated by ICSL or reported in the Human Gene Mutation Database (HGMD: prior to June 1st, 2018), and was therefore a candidate for classification through an automated scoring system. Utilizing variant allele frequency, disease prevalence and penetrance estimates, and inheritance mode, an automated score was calculated to assess if this variant is too frequent to cause the disease. Based on the score and internal cut-off values, a variant classified as benign is not then subjected to further curation. The score for this variant resulted in a classification of benign for this disease.

NM_006749.4(SLC20A2):c.-592C>T

Genes: SLC20A2 (solute carrier family 20 member 2; minus strand), SMIM19 (small integral membrane protein 19; plus strand). Cytogenetic location: 8p11.21.
Variant type: single nucleotide variant.
Coding change: c.-592C>T on transcript NM_006749.4; 592 bases upstream of the start codon, C replaced by T.
Molecular consequence: 5 prime UTR variant (on NM_001135674.2). On other transcripts: intron variant (2).
Genome position (GRCh38, 1-based): chr8:42,542,148, G>A on the plus strand (C>T on the coding strand, the complement: SLC20A2 is on the minus strand). VCF-style: chr8-42542148-G-A. GRCh37 (hg19) VCF-style: chr8-42397291-G-A.
Other names: c.-230G>A (NM_001135674.2); c.-12G>A (NM_001135675.2); c.-301G>A (NM_001363186.2); c.-5+949G>A (NM_001135676.2); c.-5+443G>A (NM_138436.4).
Identifiers: ClinVar variation 363105 (VCV000363105.7), dbSNP rs145711927, ClinGen allele CA10631113.